The following is an entry in ClinVar:

NM_000548.5(TSC2):c.1270C>A (p.Leu424Met)

Gene: TSC2 (TSC complex subunit 2; plus strand). Cytogenetic location: 16p13.3.
Variant type: single nucleotide variant.
Coding change: c.1270C>A on transcript NM_000548.5 (MANE Select); coding-DNA position 1270, C replaced by A.
Protein change: p.Leu424Met; replaces leucine 424 with methionine.
Molecular consequence: missense variant. On other transcripts: 5 prime UTR variant (8), non-coding transcript variant (5), intron variant (2).
Genome position (GRCh38, 1-based): chr16:2,062,509, C>A. VCF-style: chr16-2062509-C-A. GRCh37 (hg19) VCF-style: chr16-2112510-C-A.
Other names: c.1270C>A, p.Leu424Met (NM_001077183.3, NM_001114382.3, NM_001363528.2 and 6 more transcripts); c.1159C>A, p.Leu387Met (NM_001318827.2, NM_001406670.1, NM_001406678.1); c.1123C>A, p.Leu375Met (NM_001318829.2, NM_001406675.1, NM_001406676.1 and 1 more transcripts); c.670C>A, p.Leu224Met (NM_001318831.2, NM_001406680.1, NM_001406682.1 and 6 more transcripts); c.1303C>A, p.Leu435Met (NM_001318832.2); c.1360C>A, p.Leu454Met (NM_001406667.1, NM_001406668.1); c.1258C>A, p.Leu420Met (NM_001406671.1, NM_001406673.1); c.1213C>A, p.Leu405Met (NM_001406677.1); and 4 more; short protein forms L224M, L270M, L375M, L387M, L405M, L420M, L424M, L435M.
Identifiers: ClinVar variation 3075334 (VCV003075334.1), dbSNP rs1053117188, ClinGen allele CA394321874.

ClinVar aggregate classification (germline): Uncertain significance (1 of 4 stars; one submission).

Conditions:
Tuberous sclerosis syndrome (TSC). Also called: Tuberous sclerosis; Tuberous Sclerosis Complex. Identifiers: Orphanet 805, MedGen C0041341, MONDO:0001734.

Submission:

All of Us Research Program, National Institutes of Health
Classification: Uncertain significance for Tuberous sclerosis syndrome. Last evaluated: 2024-01-11. Review status: criteria provided, single submitter. Criteria: ACMG Guidelines, 2015. Collection method: clinical testing. Allele origin: germline. Inheritance: Autosomal dominant inheritance. Observed: 1 variant allele, 1 heterozygote.
Comment: This study involves interpretation of variants in research participants for the purpose of population health screening. Participant phenotype was not available at the time of variant classification. Additional details can be found in publication PMID: 35346344, PMCID: PMC8962531